The following is an entry in ClinVar:

ClinVar aggregate classification (germline): Uncertain significance (1 of 4 stars; one submission).

gnomAD v4.1: 3 of 1,612,090 alleles (0.00019%); highest among the groups gnomAD compares: Non-Finnish European, 0.00025%; no homozygotes.

Submission:

Labcorp Genetics (formerly Invitae), Labcorp
Classification: Uncertain significance. Last evaluated: 2026-02-03. Review status: criteria provided, single submitter. Criteria: Invitae Variant Classification Sherloc (09022015). Collection method: clinical testing. Allele origin: germline.
Comment: This sequence change replaces serine, which is neutral and polar, with proline, which is neutral and non-polar, at codon 11 of the RNF13 protein (p.Ser11Pro). This variant is not present in population databases (gnomAD no frequency). This variant has not been reported in the literature in individuals affected with RNF13-related conditions. An algorithm developed to predict the effect of missense changes on protein structure and function (PolyPhen-2) suggests that this variant is likely to be disruptive. In summary, the available evidence is currently insufficient to determine the role of this variant in disease. Therefore, it has been classified as a Variant of Uncertain Significance.

NM_183381.3(RNF13):c.31T>C (p.Ser11Pro)

Gene: RNF13 (ring finger protein 13; plus strand). Cytogenetic location: 3q25.1.
Variant type: single nucleotide variant.
Coding change: c.31T>C on transcript NM_183381.3 (MANE Select); coding-DNA position 31, T replaced by C.
Protein change: p.Ser11Pro; replaces serine 11 with proline.
Molecular consequence: missense variant. On other transcripts: 5 prime UTR variant (4), non-coding transcript variant (1), intron variant (2).
Genome position (GRCh38, 1-based): chr3:149,846,057, T>C. VCF-style: chr3-149846057-T-C. GRCh37 (hg19) VCF-style: chr3-149563844-T-C.
Other names: c.31T>C, p.Ser11Pro (NM_001378285.1, NM_001378286.1, NM_007282.4); c.-337T>C (NM_001378287.1, NM_001378288.1, NM_001378289.1 and 1 more transcripts); c.-253-6459T>C (NM_183383.2); c.-279-6459T>C (NM_001378291.1); short protein forms S11P.
Identifiers: ClinVar variation 4733285 (VCV004733285.1).
Genomic context (GRCh38, chr3:149,846,057, plus strand): 5'-TCCTTGTCTTCCAGGTGATTTTACAACGAGATGCTGCTCTCCATAGGGATGCTCATGCTG[T>C]CAGCCACACAAGTCTACACCATCTTGACTGTCCAGCTCTTTGCATTCTTAAACCTACTGC-3'
Protein context (NP_899237.1, residues 1-21): MLLSIGMLML[Ser11Pro]ATQVYTILTV